The following is an entry in ClinVar:

ClinVar aggregate classification (germline): Likely pathogenic (1 of 4 stars; one submission).

Conditions:
Nemaline myopathy 5 (NEM5A). Also called: NEMALINE MYOPATHY, AMISH TYPE; Nemaline myopathy 5, Amish type; NEMALINE MYOPATHY 5A, AUTOSOMAL RECESSIVE, SEVERE INFANTILE. Identifiers: Orphanet 98902, MedGen C1854380, MONDO:0011539, OMIM 605355.

Allele frequency attached by ClinVar (database versions not stated): gnomAD exomes below 0.00001.

Submission:

Labcorp Genetics (formerly Invitae), Labcorp
Classification: Likely pathogenic for Nemaline myopathy 5. Last evaluated: 2025-01-15. Review status: criteria provided, single submitter. Criteria: Invitae Variant Classification Sherloc (09022015). Collection method: clinical testing. Allele origin: germline.
Comment: This sequence change affects a donor splice site in intron 9 of the TNNT1 gene. It is expected to disrupt RNA splicing. Variants that disrupt the donor or acceptor splice site typically lead to a loss of protein function (PMID: 16199547), and loss-of-function variants in TNNT1 are known to be pathogenic (PMID: 10952871, 24689076, 25430424). This variant is not present in population databases (gnomAD no frequency). This variant has not been reported in the literature in individuals affected with TNNT1-related conditions. ClinVar contains an entry for this variant (Variation ID: 1481323). Algorithms developed to predict the effect of sequence changes on RNA splicing suggest that this variant may disrupt the consensus splice site. In summary, the currently available evidence indicates that the variant is pathogenic, but additional data are needed to prove that conclusively. Therefore, this variant has been classified as Likely Pathogenic.

Literature cited by the submitters: PubMed 16199547; PubMed 10952871; PubMed 24689076; PubMed 25430424.

NM_003283.6(TNNT1):c.387+1G>A

Gene: TNNT1 (troponin T1, slow skeletal type; minus strand). Cytogenetic location: 19q13.42.
Variant type: single nucleotide variant.
Coding change: c.387+1G>A on transcript NM_003283.6 (MANE Select); the canonical splice donor site of the intron after coding-DNA position 387, G replaced by A.
Molecular consequence: splice donor variant.
Genome position (GRCh38, 1-based): chr19:55,140,882, C>T on the plus strand (G>A on the coding strand, the complement: TNNT1 is on the minus strand). VCF-style: chr19-55140882-C-T. GRCh37 (hg19) VCF-style: chr19-55652250-C-T.
Other names: c.354+1G>A (NM_001126133.3, NM_001291774.2); c.387+1G>A (NM_001126132.3).
Identifiers: ClinVar variation 1481323 (VCV001481323.8), dbSNP rs2147253798, ClinGen allele CA407434846.